The following is an entry in ClinVar:

ClinVar aggregate classification (germline): Uncertain significance (1 of 4 stars; one submission).

gnomAD v4.1: 11 of 1,405,386 alleles (0.00078%); highest among the groups gnomAD compares: East Asian, 0.0025%; no homozygotes.

Submission:

Women's Health and Genetics/Laboratory Corporation of America, LabCorp
Classification: Uncertain significance. Last evaluated: 2025-06-30. Review status: criteria provided, single submitter. Criteria: LabCorp Variant Classification Summary - May 2015. Collection method: clinical testing. Allele origin: germline.
Comment: Variant summary: ANKRD11 c.7071G>T (p.Lys2357Asn) results in a non-conservative amino acid change in the encoded protein sequence. Algorithms developed to predict the effect of missense changes on protein structure and function are either unavailable or do not agree on the potential impact of this missense change. The frequency data for this variant in gnomAD is considered unreliable, as metrics indicate poor data quality at this position. To our knowledge, no occurrence of c.7071G>T in individuals affected with KBG Syndrome and no experimental evidence demonstrating its impact on protein function have been reported. No submitters have cited clinical-significance assessments for this variant to ClinVar. Based on the evidence outlined above, the variant was classified as uncertain significance.

NM_013275.6(ANKRD11):c.7071G>T (p.Lys2357Asn)

Gene: ANKRD11 (ankyrin repeat domain containing 11; minus strand). Cytogenetic location: 16q24.3.
Variant type: single nucleotide variant.
Coding change: c.7071G>T on transcript NM_013275.6 (MANE Select); coding-DNA position 7071, G replaced by T.
Protein change: p.Lys2357Asn; replaces lysine 2357 with asparagine.
Molecular consequence: missense variant.
Genome position (GRCh38, 1-based): chr16:89,279,471, C>A on the plus strand (G>T on the coding strand, the complement: ANKRD11 is on the minus strand). VCF-style: chr16-89279471-C-A. GRCh37 (hg19) VCF-style: chr16-89345879-C-A.
Other names: c.7071G>T, p.Lys2357Asn (NM_001256182.2, NM_001256183.2); short protein forms K2357N.
Identifiers: ClinVar variation 3907026 (VCV003907026.1).